The following is an entry in ClinVar:

ClinVar aggregate classification (germline): Pathogenic/Likely pathogenic. Review status: criteria provided, multiple submitters, no conflicts (2 of 4 stars). 2 submissions from 2 submitters: Pathogenic (1); Likely pathogenic (1). Last evaluated 2022-08-19.

Allele frequency attached by ClinVar (database versions not stated): gnomAD exomes below 0.00001.
gnomAD v4.1: 4 of 1,582,736 alleles (0.00025%); highest among the groups gnomAD compares: Non-Finnish European, 0.00035%; no homozygotes.

Submissions (2):

Labcorp Genetics (formerly Invitae), Labcorp
Classification: Likely pathogenic. Last evaluated: 2022-08-19. Review status: criteria provided, single submitter. Criteria: Invitae Variant Classification Sherloc (09022015). Collection method: clinical testing. Allele origin: germline.
Comment: This sequence change affects a donor splice site in intron 12 of the SLC26A4 gene. It is expected to disrupt RNA splicing. Variants that disrupt the donor or acceptor splice site typically lead to a loss of protein function (PMID: 16199547), and loss-of-function variants in SLC26A4 are known to be pathogenic (PMID: 16283880, 25394566, 26252218, 26445815). This variant is not present in population databases (gnomAD no frequency). Disruption of this splice site has been observed in individual(s) with large vestibular aqueduct syndrome (PMID: 22509691). ClinVar contains an entry for this variant (Variation ID: 1068419). Algorithms developed to predict the effect of sequence changes on RNA splicing suggest that this variant may disrupt the consensus splice site. In summary, the currently available evidence indicates that the variant is pathogenic, but additional data are needed to prove that conclusively. Therefore, this variant has been classified as Likely Pathogenic.

Revvity Omics, Revvity
Classification: Pathogenic. Last evaluated: 2020-03-30. Review status: criteria provided, single submitter. Criteria: ACMG Guidelines, 2015. Collection method: clinical testing. Allele origin: germline.

Literature cited by the submitters: PubMed 16199547 (cited by Labcorp Genetics (formerly Invitae), Labcorp); PubMed 16283880 (cited by Labcorp Genetics (formerly Invitae), Labcorp); PubMed 25394566 (cited by Labcorp Genetics (formerly Invitae), Labcorp); PubMed 26252218 (cited by Labcorp Genetics (formerly Invitae), Labcorp); PubMed 26445815 (cited by Labcorp Genetics (formerly Invitae), Labcorp); PubMed 22509691 (cited by Labcorp Genetics (formerly Invitae), Labcorp).

NM_000441.2(SLC26A4):c.1437+1G>A

Gene: SLC26A4 (solute carrier family 26 member 4; plus strand). Cytogenetic location: 7q22.3.
Variant type: single nucleotide variant.
Coding change: c.1437+1G>A on transcript NM_000441.2 (MANE Select); the canonical splice donor site of the intron after coding-DNA position 1437, G replaced by A.
Molecular consequence: splice donor variant.
Genome position (GRCh38, 1-based): chr7:107,694,717, G>A. VCF-style: chr7-107694717-G-A. GRCh37 (hg19) VCF-style: chr7-107335162-G-A.
Identifiers: ClinVar variation 1068419 (VCV001068419.12), dbSNP rs2129316961, ClinGen allele CA368840970.
Genomic context (GRCh38, chr7:107,694,717, plus strand): 5'-GGGATGTTTATGCAGCTGTGTGACATTCCTCGTCTGTGGAGACAGAATAAGATTGATGCT[G>A]TAAGTCACCTACCACCTATATTTATCTGAAATAAGATTTGGTTCTTATATGCTTCCTGCC-3'